The following is an entry in ClinVar:

ClinVar aggregate classification (germline): Uncertain significance (1 of 4 stars; one submission).

gnomAD v4.1: 3 of 1,550,094 alleles (0.00019%); highest among the groups gnomAD compares: Non-Finnish European, 0.00026%; no homozygotes.

Submission:

Labcorp Genetics (formerly Invitae), Labcorp
Classification: Uncertain significance. Last evaluated: 2022-06-14. Review status: criteria provided, single submitter. Criteria: Invitae Variant Classification Sherloc (09022015). Collection method: clinical testing. Allele origin: germline.
Comment: In summary, the available evidence is currently insufficient to determine the role of this variant in disease. Therefore, it has been classified as a Variant of Uncertain Significance. Algorithms developed to predict the effect of missense changes on protein structure and function output the following: SIFT: "Deleterious"; PolyPhen-2: "Benign"; Align-GVGD: "Class C0". The alanine amino acid residue is found in multiple mammalian species, which suggests that this missense change does not adversely affect protein function. This variant has not been reported in the literature in individuals affected with ZNF469-related conditions. This variant is not present in population databases (gnomAD no frequency). This sequence change replaces proline, which is neutral and non-polar, with alanine, which is neutral and non-polar, at codon 3702 of the ZNF469 protein (p.Pro3702Ala).

NM_001367624.2(ZNF469):c.11188C>G (p.Pro3730Ala)

Gene: ZNF469 (zinc finger protein 469; plus strand). Cytogenetic location: 16q24.2.
Variant type: single nucleotide variant.
Coding change: c.11188C>G on transcript NM_001367624.2 (MANE Select); coding-DNA position 11188, C replaced by G.
Protein change: p.Pro3730Ala; replaces proline 3730 with alanine.
Molecular consequence: missense variant.
Genome position (GRCh38, 1-based): chr16:88,438,658, C>G. VCF-style: chr16-88438658-C-G. GRCh37 (hg19) VCF-style: chr16-88505066-C-G.
Other names: short protein forms P3730A.
Identifiers: ClinVar variation 2006485 (VCV002006485.4), dbSNP rs756967408, ClinGen allele CA397129313.